The following is an entry in ClinVar:

NM_003630.3(PEX3):c.184C>A (p.Gln62Lys)

Gene: PEX3 (peroxisomal biogenesis factor 3; plus strand). Cytogenetic location: 6q24.2.
Variant type: single nucleotide variant.
Coding change: c.184C>A on transcript NM_003630.3 (MANE Select); coding-DNA position 184, C replaced by A.
Protein change: p.Gln62Lys; replaces glutamine 62 with lysine.
Molecular consequence: missense variant.
Genome position (GRCh38, 1-based): chr6:143,459,195, C>A. VCF-style: chr6-143459195-C-A. GRCh37 (hg19) VCF-style: chr6-143780332-C-A.
Other names: short protein forms Q62K.
Identifiers: ClinVar variation 100845 (VCV000100845.2), dbSNP rs483352724, ClinGen allele CA229115.

ClinVar aggregate classification (germline): Uncertain significance. Review status: no assertion criteria provided (0 of 4 stars). 2 submissions from 1 submitter: Uncertain significance (1). 1 of the submissions does not count toward it.

Submissions (2):

Richard Lifton Laboratory, Yale University School of Medicine
Classification: Uncertain significance. Review status: no assertion criteria provided. Collection method: not provided. Allele origin: somatic.
Comment: PEX3:p.Q62K
ClinVar note: Converted during submission from unknown to Uncertain significance.

Richard Lifton Laboratory, Yale University School of Medicine
Classification: Uncertain significance. Review status: flagged submission. Collection method: not provided. Allele origin: somatic. Not counted in ClinVar's aggregate classification.
ClinVar note: Converted during submission from unknown to Uncertain significance.
ClinVar note: Reason: This record appears to be redundant with a more recent record from the same submitter.
ClinVar note: Notes: SCV000120069 appears to be redundant with SCV000155173.